The following is an entry in ClinVar:

ClinVar aggregate classification (germline): Uncertain significance (1 of 4 stars; one submission).

Allele frequency attached by ClinVar (database versions not stated): ExAC 0.00001.

Submission:

Labcorp Genetics (formerly Invitae), Labcorp
Classification: Uncertain significance. Last evaluated: 2024-04-03. Review status: criteria provided, single submitter. Criteria: Invitae Variant Classification Sherloc (09022015). Collection method: clinical testing. Allele origin: germline.
Comment: This sequence change replaces proline, which is neutral and non-polar, with alanine, which is neutral and non-polar, at codon 2906 of the COL7A1 protein (p.Pro2906Ala). This variant is present in population databases (rs760142678, gnomAD 0.0009%). This variant has not been reported in the literature in individuals affected with COL7A1-related conditions. ClinVar contains an entry for this variant (Variation ID: 2086318). Advanced modeling of protein sequence and biophysical properties (such as structural, functional, and spatial information, amino acid conservation, physicochemical variation, residue mobility, and thermodynamic stability) performed at Invitae indicates that this missense variant is not expected to disrupt COL7A1 protein function with a negative predictive value of 95%. In summary, the available evidence is currently insufficient to determine the role of this variant in disease. Therefore, it has been classified as a Variant of Uncertain Significance.

NM_000094.4(COL7A1):c.8716C>G (p.Pro2906Ala)

Gene: COL7A1 (collagen type VII alpha 1 chain; minus strand). Cytogenetic location: 3p21.31.
Variant type: single nucleotide variant.
Coding change: c.8716C>G on transcript NM_000094.4 (MANE Select); coding-DNA position 8716, C replaced by G.
Protein change: p.Pro2906Ala; replaces proline 2906 with alanine.
Molecular consequence: missense variant.
Genome position (GRCh38, 1-based): chr3:48,564,885, G>C on the plus strand (C>G on the coding strand, the complement: COL7A1 is on the minus strand). VCF-style: chr3-48564885-G-C. GRCh37 (hg19) VCF-style: chr3-48602318-G-C.
Other names: short protein forms P2906A.
Identifiers: ClinVar variation 2086318 (VCV002086318.3), dbSNP rs760142678, ClinGen allele CA2377892.